The following is an entry in ClinVar:

ClinVar aggregate classification (germline): Uncertain significance. Review status: criteria provided, multiple submitters, no conflicts (2 of 4 stars). 2 submissions from 2 submitters: Uncertain significance (2). Last evaluated 2024-11-22.

Allele frequency attached by ClinVar (database versions not stated): gnomAD 0.00001; gnomAD exomes 0.00002; TOPMed 0.00002; ExAC 0.00005.
gnomAD v4.1: 36 of 1,551,582 alleles (0.0023%); highest among the groups gnomAD compares: East Asian, 0.0098%; no homozygotes.

Submissions (2):

Blueprint Genetics
Classification: Uncertain significance. Last evaluated: 2024-11-22. Review status: criteria provided, single submitter. Criteria: ACMG Guidelines, 2015. Collection method: clinical testing. Allele origin: germline.

Labcorp Genetics (formerly Invitae), Labcorp
Classification: Uncertain significance. Last evaluated: 2022-05-06. Review status: criteria provided, single submitter. Criteria: Invitae Variant Classification Sherloc (09022015). Collection method: clinical testing. Allele origin: germline.
Comment: This sequence change replaces arginine, which is basic and polar, with histidine, which is basic and polar, at codon 2852 of the UNC80 protein (p.Arg2852His). This variant is present in population databases (rs772317430, gnomAD 0.005%). This variant has not been reported in the literature in individuals affected with UNC80-related conditions. Algorithms developed to predict the effect of missense changes on protein structure and function are either unavailable or do not agree on the potential impact of this missense change (SIFT: "Not Available"; PolyPhen-2: "Probably Damaging"; Align-GVGD: "Not Available"). In summary, the available evidence is currently insufficient to determine the role of this variant in disease. Therefore, it has been classified as a Variant of Uncertain Significance.

NM_001371986.1(UNC80):c.8753G>A (p.Arg2918His)

Gene: UNC80 (unc-80 subunit of NALCN channel complex; plus strand). Cytogenetic location: 2q34.
Variant type: single nucleotide variant.
Coding change: c.8753G>A on transcript NM_001371986.1 (MANE Select); coding-DNA position 8753, G replaced by A.
Protein change: p.Arg2918His; replaces arginine 2918 with histidine.
Molecular consequence: missense variant.
Genome position (GRCh38, 1-based): chr2:209,976,284, G>A. VCF-style: chr2-209976284-G-A. GRCh37 (hg19) VCF-style: chr2-210841008-G-A.
Other names: c.8555G>A, p.Arg2852His (NM_032504.2); c.8540G>A, p.Arg2847His (NM_182587.4); short protein forms R2918H, R2847H, R2852H.
Identifiers: ClinVar variation 1962997 (VCV001962997.3), dbSNP rs772317430, ClinGen allele CA2083591.